The following is an entry in ClinVar:

ClinVar aggregate classification (germline): Uncertain significance (0 of 4 stars; one submission).

Conditions:
PHIP-related disorder. Also called: PHIP-related condition; PHIP-related disorders.

Submission:

PreventionGenetics, part of Exact Sciences
Classification: Uncertain significance for PHIP-related condition. Last evaluated: 2023-10-31. Review status: no assertion criteria provided. Collection method: clinical testing. Allele origin: germline.
Comment: The PHIP c.2412G>C variant is predicted to result in the amino acid substitution p.Glu804Asp. To our knowledge, this variant has not been reported in the literature or in a large population database, indicating this variant is rare. At this time, the clinical significance of this variant is uncertain due to the absence of conclusive functional and genetic evidence.

NM_017934.7(PHIP):c.2412G>C (p.Glu804Asp)

Gene: PHIP (PHIP subunit of CUL4-Ring ligase complex; minus strand). Cytogenetic location: 6q14.1.
Variant type: single nucleotide variant.
Coding change: c.2412G>C on transcript NM_017934.7 (MANE Select); coding-DNA position 2412, G replaced by C.
Protein change: p.Glu804Asp; replaces glutamic acid 804 with aspartic acid.
Molecular consequence: missense variant.
Genome position (GRCh38, 1-based): chr6:78,988,257, C>G on the plus strand (G>C on the coding strand, the complement: PHIP is on the minus strand). VCF-style: chr6-78988257-C-G. GRCh37 (hg19) VCF-style: chr6-79697974-C-G.
Other names: short protein forms E804D.
Identifiers: ClinVar variation 3348447 (VCV003348447.1).